The following is an entry in ClinVar:

NM_000179.3(MSH6):c.1518T>C (p.Asp506=)

Gene: MSH6 (mutS homolog 6; plus strand). Cytogenetic location: 2p16.3.
Variant type: single nucleotide variant.
Coding change: c.1518T>C on transcript NM_000179.3 (MANE Select); coding-DNA position 1518, T replaced by C.
Protein change: p.Asp506=; no amino-acid change (aspartic acid 506 retained).
Molecular consequence: synonymous variant.
Genome position (GRCh38, 1-based): chr2:47,799,501, T>C. VCF-style: chr2-47799501-T-C. GRCh37 (hg19) VCF-style: chr2-48026640-T-C.
Other names: c.1128T>C, p.Asp376= (NM_001281492.2); c.612T>C, p.Asp204= (NM_001281493.2, NM_001281494.2).
Identifiers: ClinVar variation 629848 (VCV000629848.20), dbSNP rs775497704, ClinGen allele CA46708233.

ClinVar aggregate classification (germline): Benign/Likely benign. Review status: criteria provided, multiple submitters, no conflicts (2 of 4 stars). 6 submissions from 6 submitters: Benign (1); Likely benign (5). Last evaluated 2025-06-06.

Conditions:
Hereditary cancer-predisposing syndrome. Also called: Neoplastic Syndromes, Hereditary; Tumor predisposition; Hereditary neoplastic syndrome; Hereditary Cancer Syndrome. Identifiers: Orphanet 140162, MedGen C0027672, MeSH D009386, MONDO:0015356.
Lynch syndrome. Identifiers: Orphanet 144, MedGen C4552100, MONDO:0005835. Disease mechanism: loss of function.
Lynch syndrome 5 (LYNCH5). Also called: Colorectal cancer, hereditary nonpolyposis, type 5; Hereditary non-polyposis colorectal cancer, type 5. Identifiers: Orphanet 144, MedGen C1833477, MONDO:0013710, OMIM 614350. Disease mechanism: loss of function.
Hereditary nonpolyposis colorectal neoplasms. Identifiers: MedGen C0009405, MeSH D003123.

Allele frequency attached by ClinVar (database versions not stated): gnomAD exomes below 0.00001.
gnomAD v4.1: 2 of 1,614,048 alleles (0.00012%); highest among the groups gnomAD compares: Non-Finnish European, 0.00017%; no homozygotes.

Submissions (6):

Labcorp Genetics (formerly Invitae), Labcorp
Classification: Likely benign for Hereditary nonpolyposis colorectal neoplasms. Last evaluated: 2025-06-06. Review status: criteria provided, single submitter. Criteria: Invitae Variant Classification Sherloc (09022015). Collection method: clinical testing. Allele origin: germline.

Myriad Genetics, Inc.
Classification: Benign for Lynch syndrome 5. Last evaluated: 2024-12-26. Review status: criteria provided, single submitter. Criteria: Myriad Autosomal Dominant, Autosomal Recessive and X-Linked Classification Criteria (2023). Collection method: clinical testing. Allele origin: unknown.
Comment: This variant is considered benign. This variant is a silent/synonymous amino acid change and it is not expected to impact splicing.

Institute for Biomarker Research, Medical Diagnostic Laboratories, L.L.C.
Classification: Likely benign for Hereditary cancer-predisposing syndrome. Last evaluated: 2024-03-22. Review status: criteria provided, single submitter. Criteria: ACMG Guidelines, 2015. Collection method: clinical testing. Allele origin: germline.

All of Us Research Program, National Institutes of Health
Classification: Likely benign for Lynch syndrome. Last evaluated: 2023-07-22. Review status: criteria provided, single submitter. Criteria: ACMG Guidelines, 2015. Collection method: clinical testing. Allele origin: germline. Inheritance: Autosomal dominant inheritance. Observed: 1 variant allele, 1 heterozygote.
Comment: This study involves interpretation of variants in research participants for the purpose of population health screening. Participant phenotype was not available at the time of variant classification. Additional details can be found in publication PMID: 35346344, PMCID: PMC8962531

Color Diagnostics, LLC DBA Color Health
Classification: Likely benign for Hereditary cancer-predisposing syndrome. Last evaluated: 2018-04-10. Review status: criteria provided, single submitter. Criteria: ACMG Guidelines, 2015. Collection method: clinical testing. Allele origin: germline.

Ambry Genetics
Classification: Likely benign for Hereditary cancer-predisposing syndrome. Last evaluated: 2017-11-13. Review status: criteria provided, single submitter. Criteria: Ambry Variant Classification Scheme 2023. Collection method: clinical testing. Allele origin: germline.